The following is an entry in ClinVar:

NM_000836.4(GRIN2D):c.1595G>C (p.Arg532Pro)

Gene: GRIN2D (glutamate ionotropic receptor NMDA type subunit 2D; plus strand). Cytogenetic location: 19q13.33.
Variant type: single nucleotide variant.
Coding change: c.1595G>C on transcript NM_000836.4 (MANE Select); coding-DNA position 1595, G replaced by C.
Protein change: p.Arg532Pro; replaces arginine 532 with proline.
Molecular consequence: missense variant.
Genome position (GRCh38, 1-based): chr19:48,416,015, G>C. VCF-style: chr19-48416015-G-C. GRCh37 (hg19) VCF-style: chr19-48919272-G-C.
Other names: short protein forms R532P.
Identifiers: ClinVar variation 2824096 (VCV002824096.3), dbSNP rs2513672791, ClinGen allele CA406695967.

ClinVar aggregate classification (germline): Uncertain significance (1 of 4 stars; one submission).

Submission:

Labcorp Genetics (formerly Invitae), Labcorp
Classification: Uncertain significance. Last evaluated: 2022-12-25. Review status: criteria provided, single submitter. Criteria: Invitae Variant Classification Sherloc (09022015). Collection method: clinical testing. Allele origin: germline.
Comment: In summary, the available evidence is currently insufficient to determine the role of this variant in disease. Therefore, it has been classified as a Variant of Uncertain Significance. Algorithms developed to predict the effect of sequence changes on RNA splicing suggest that this variant may create or strengthen a splice site. Advanced modeling of protein sequence and biophysical properties (such as structural, functional, and spatial information, amino acid conservation, physicochemical variation, residue mobility, and thermodynamic stability) performed at Invitae indicates that this missense variant is not expected to disrupt GRIN2D protein function. This variant has not been reported in the literature in individuals affected with GRIN2D-related conditions. This variant is not present in population databases (gnomAD no frequency). This sequence change replaces arginine, which is basic and polar, with proline, which is neutral and non-polar, at codon 532 of the GRIN2D protein (p.Arg532Pro).